The following is an entry in ClinVar:

NM_006206.6(PDGFRA):c.1856A>G (p.Gln619Arg)

Gene: PDGFRA (platelet derived growth factor receptor alpha; plus strand). Cytogenetic location: 4q12.
Variant type: single nucleotide variant.
Coding change: c.1856A>G on transcript NM_006206.6 (MANE Select); coding-DNA position 1856, A replaced by G.
Protein change: p.Gln619Arg; replaces glutamine 619 with arginine.
Molecular consequence: missense variant.
Genome position (GRCh38, 1-based): chr4:54,277,457, A>G. VCF-style: chr4-54277457-A-G. GRCh37 (hg19) VCF-style: chr4-55143624-A-G.
Other names: c.1856A>G, p.Gln619Arg (NM_001347827.2, NM_001347829.2); c.1931A>G, p.Gln644Arg (NM_001347828.2); c.1895A>G, p.Gln632Arg (NM_001347830.2); short protein forms Q619R, Q632R, Q644R.
Identifiers: ClinVar variation 459028 (VCV000459028.12), dbSNP rs1553904833, ClinGen allele CA356893470.

ClinVar aggregate classification (germline): Uncertain significance. Review status: criteria provided, multiple submitters, no conflicts (2 of 4 stars). 2 submissions from 2 submitters: Uncertain significance (2). Last evaluated 2025-04-02.

Conditions:
Gastrointestinal stromal tumor. Also called: Gastrointestinal stroma tumor; Gastrointestinal stromal tumor, somatic. Identifiers: Orphanet 44890, MedGen C0238198, MeSH D046152, MONDO:0011719, OMIM 606764, HP:0100723.
Hereditary cancer-predisposing syndrome. Also called: Tumor predisposition; Hereditary neoplastic syndrome; Neoplastic Syndromes, Hereditary; Hereditary Cancer Syndrome. Identifiers: Orphanet 140162, MedGen C0027672, MeSH D009386, MONDO:0015356.

Submissions (2):

Ambry Genetics
Classification: Uncertain significance for Hereditary cancer-predisposing syndrome. Last evaluated: 2025-04-02. Review status: criteria provided, single submitter. Criteria: Ambry Variant Classification Scheme 2023. Collection method: clinical testing. Allele origin: germline.
Comment: The p.Q619R variant (also known as c.1856A>G), located in coding exon 12 of the PDGFRA gene, results from an A to G substitution at nucleotide position 1856. The glutamine at codon 619 is replaced by arginine, an amino acid with highly similar properties. This amino acid position is highly conserved in available vertebrate species. In addition, the in silico prediction for this alteration is inconclusive. Based on the available evidence, the clinical significance of this variant remains unclear.

Labcorp Genetics (formerly Invitae), Labcorp
Classification: Uncertain significance for Gastrointestinal stromal tumor. Last evaluated: 2024-08-19. Review status: criteria provided, single submitter. Criteria: Invitae Variant Classification Sherloc (09022015). Collection method: clinical testing. Allele origin: germline.
Comment: This sequence change replaces glutamine, which is neutral and polar, with arginine, which is basic and polar, at codon 619 of the PDGFRA protein (p.Gln619Arg). This variant is not present in population databases (gnomAD no frequency). This variant has not been reported in the literature in individuals affected with PDGFRA-related conditions. ClinVar contains an entry for this variant (Variation ID: 459028). Invitae Evidence Modeling of protein sequence and biophysical properties (such as structural, functional, and spatial information, amino acid conservation, physicochemical variation, residue mobility, and thermodynamic stability) indicates that this missense variant is not expected to disrupt PDGFRA protein function with a negative predictive value of 80%. In summary, the available evidence is currently insufficient to determine the role of this variant in disease. Therefore, it has been classified as a Variant of Uncertain Significance.